The following is an entry in ClinVar:

ClinVar aggregate classification (germline): Uncertain significance. Review status: criteria provided, multiple submitters, no conflicts (2 of 4 stars). 3 submissions from 3 submitters: Uncertain significance (3). Last evaluated 2025-11-15.

Allele frequency attached by ClinVar (database versions not stated): gnomAD exomes below 0.00001; TOPMed 0.00002; ESP Exome Variant Server 0.00008.
gnomAD v4.1: 5 of 1,613,626 alleles (0.00031%); highest among the groups gnomAD compares: Non-Finnish European, 0.00025%; no homozygotes.

Submissions (3):

Labcorp Genetics (formerly Invitae), Labcorp
Classification: Uncertain significance. Last evaluated: 2025-11-15. Review status: criteria provided, single submitter. Criteria: Invitae Variant Classification Sherloc (09022015). Collection method: clinical testing. Allele origin: germline.
Comment: This sequence change replaces glycine, which is neutral and non-polar, with serine, which is neutral and polar, at codon 58 of the TIMP3 protein (p.Gly58Ser). This variant is present in population databases (rs144942953, gnomAD 0.0009%). This variant has not been reported in the literature in individuals affected with TIMP3-related conditions. ClinVar contains an entry for this variant (Variation ID: 1465300). An algorithm developed to predict the effect of missense changes on protein structure and function (PolyPhen-2) suggests that this variant is likely to be disruptive. In summary, the available evidence is currently insufficient to determine the role of this variant in disease. Therefore, it has been classified as a Variant of Uncertain Significance.

Ambry Genetics
Classification: Uncertain significance. Last evaluated: 2025-06-09. Review status: criteria provided, single submitter. Criteria: Ambry Variant Classification Scheme 2023. Collection method: clinical testing. Allele origin: germline.

Blueprint Genetics
Classification: Uncertain significance. Last evaluated: 2022-09-02. Review status: criteria provided, single submitter. Criteria: ACMG Guidelines, 2015. Collection method: clinical testing. Allele origin: germline.

NM_000362.5(TIMP3):c.172G>A (p.Gly58Ser)

Genes: SYN3 (synapsin III; minus strand), TIMP3 (TIMP metallopeptidase inhibitor 3; plus strand). Cytogenetic location: 22q12.3.
Variant type: single nucleotide variant.
Coding change: c.172G>A on transcript NM_000362.5 (MANE Select); coding-DNA position 172, G replaced by A.
Protein change: p.Gly58Ser; replaces glycine 58 with serine.
Molecular consequence: missense variant. On other transcripts: intron variant (7).
Genome position (GRCh38, 1-based): chr22:32,849,502, G>A. VCF-style: chr22-32849502-G-A. GRCh37 (hg19) VCF-style: chr22-33245489-G-A.
Other names: c.708+15413C>T (NM_001369909.1, NM_001135774.2, NM_001369910.1); c.711+15413C>T (NM_001369907.1, NM_003490.4, NM_001369908.1 and 1 more transcripts); c.172G>A (NM_000362.4); short protein forms G58S.
Identifiers: ClinVar variation 1465300 (VCV001465300.8), dbSNP rs144942953, ClinGen allele CA323659661.